The following is an entry in ClinVar:

NM_003072.5(SMARCA4):c.3528C>T (p.Ser1176=)

Gene: SMARCA4 (SWI/SNF related BAF chromatin remodeling complex subunit ATPase 4; plus strand). Cytogenetic location: 19p13.2.
Variant type: single nucleotide variant.
Coding change: c.3528C>T on transcript NM_003072.5 (MANE Select); coding-DNA position 3528, C replaced by T.
Protein change: p.Ser1176=; no amino-acid change (serine 1176 retained).
Molecular consequence: synonymous variant. On other transcripts: non-coding transcript variant (1).
Genome position (GRCh38, 1-based): chr19:11,030,875, C>T. VCF-style: chr19-11030875-C-T. GRCh37 (hg19) VCF-style: chr19-11141551-C-T.
Other names: c.3528C>T, p.Ser1176= (NM_001128844.3, NM_001128845.2, NM_001128846.2 and 5 more transcripts).
Identifiers: ClinVar variation 415165 (VCV000415165.32), dbSNP rs573885719, ClinGen allele CA9204438.

ClinVar aggregate classification (germline): Benign/Likely benign. Review status: criteria provided, multiple submitters, no conflicts (2 of 4 stars). 6 submissions from 6 submitters: Benign (1); Likely benign (5). Last evaluated 2026-07-14.

Conditions:
Rhabdoid tumor predisposition syndrome 2 (RTPS2). Identifiers: Orphanet 231108, Orphanet 69077, MedGen C2750074, MONDO:0013224, OMIM 613325.
Hereditary cancer-predisposing syndrome. Also called: Hereditary Cancer Syndrome; Hereditary neoplastic syndrome; Neoplastic Syndromes, Hereditary; Tumor predisposition. Identifiers: Orphanet 140162, MedGen C0027672, MeSH D009386, MONDO:0015356.
Intellectual disability, autosomal dominant 16 (CSS4). Also called: COFFIN-SIRIS SYNDROME 4. Identifiers: Orphanet 1465, MedGen C3553249, MONDO:0013821, OMIM 614609.

Allele frequency attached by ClinVar (database versions not stated): TOPMed 0.00001; 1000 Genomes Project 0.00020; gnomAD exomes 0.00001; ExAC 0.00001; 1000 Genomes Project 30x 0.00016; gnomAD 0.00001.

Submissions (6):

Myriad Genetics, Inc.
Classification: Benign for Rhabdoid tumor predisposition syndrome 2. Last evaluated: 2026-07-14. Review status: criteria provided, single submitter. Criteria: Myriad Autosomal Dominant, Autosomal Recessive and X-Linked Classification Criteria (2023). Collection method: clinical testing. Allele origin: unknown.
Comment: This variant is considered benign. This variant is a silent/synonymous amino acid change and it is not expected to impact splicing.

Labcorp Genetics (formerly Invitae), Labcorp
Classification: Likely benign for Rhabdoid tumor predisposition syndrome 2. Last evaluated: 2026-02-03. Review status: criteria provided, single submitter. Criteria: Invitae Variant Classification Sherloc (09022015). Collection method: clinical testing. Allele origin: germline.

Sema4
Classification: Likely benign for Hereditary cancer-predisposing syndrome. Last evaluated: 2021-08-09. Review status: criteria provided, single submitter. Criteria: Sema4 Curation Guidelines. Collection method: curation. Allele origin: germline.

Genome-Nilou Lab
Classification: Likely benign for Intellectual disability, autosomal dominant 16. Last evaluated: 2021-07-15. Review status: criteria provided, single submitter. Criteria: ACMG Guidelines, 2015. Collection method: clinical testing. Allele origin: germline. Affected: no.

Blueprint Genetics
Classification: Likely benign. Last evaluated: 2021-03-15. Review status: criteria provided, single submitter. Criteria: ACMG Guidelines, 2015. Collection method: clinical testing. Allele origin: germline.

Ambry Genetics
Classification: Likely benign for Hereditary cancer-predisposing syndrome. Last evaluated: 2016-02-12. Review status: criteria provided, single submitter. Criteria: Ambry Variant Classification Scheme 2023. Collection method: clinical testing. Allele origin: germline.